The following is an entry in ClinVar:

ClinVar aggregate classification (germline): Benign/Likely benign. Review status: criteria provided, multiple submitters, no conflicts (2 of 4 stars). 2 submissions from 2 submitters: Benign (1); Likely benign (1). Last evaluated 2024-07-15.

Conditions:
BAP1-related tumor predisposition syndrome (TPDS1). Also called: Tumor susceptibility linked to germline BAP1 mutations; BAP1 tumor predisposition syndrome; COMMON Syndrome; TUMOR PREDISPOSITION SYNDROME 1. Identifiers: Orphanet 289539, MedGen C3280492, MONDO:0013692, OMIM 614327.

Submissions (2):

Myriad Genetics, Inc.
Classification: Benign for BAP1-related tumor predisposition syndrome. Last evaluated: 2024-07-15. Review status: criteria provided, single submitter. Criteria: Myriad Autosomal Dominant, Autosomal Recessive and X-Linked Classification Criteria (2023). Collection method: clinical testing. Allele origin: unknown.
Comment: This variant is considered benign. This variant is a silent/synonymous amino acid change and it is not expected to impact splicing.

Labcorp Genetics (formerly Invitae), Labcorp
Classification: Likely benign for BAP1-related tumor predisposition syndrome. Last evaluated: 2022-06-05. Review status: criteria provided, single submitter. Criteria: Invitae Variant Classification Sherloc (09022015). Collection method: clinical testing. Allele origin: germline.

NM_004656.4(BAP1):c.880C>T (p.Leu294=)

Gene: BAP1 (BRCA1 associated deubiquitinase 1; minus strand). Cytogenetic location: 3p21.1.
Variant type: single nucleotide variant.
Coding change: c.880C>T on transcript NM_004656.4 (MANE Select); coding-DNA position 880, C replaced by T.
Protein change: p.Leu294=; no amino-acid change (leucine 294 retained).
Molecular consequence: synonymous variant.
Genome position (GRCh38, 1-based): chr3:52,405,816, G>A on the plus strand (C>T on the coding strand, the complement: BAP1 is on the minus strand). VCF-style: chr3-52405816-G-A. GRCh37 (hg19) VCF-style: chr3-52439832-G-A.
Identifiers: ClinVar variation 1580356 (VCV001580356.9), dbSNP rs2153227233, ClinGen allele CA433775641.